The following is an entry in ClinVar:

ClinVar aggregate classification (germline): Uncertain significance. Review status: criteria provided, multiple submitters, no conflicts (2 of 4 stars). 2 submissions from 2 submitters: Uncertain significance (2). Last evaluated 2024-11-24.

Conditions:
Combined immunodeficiency due to OX40 deficiency. Also called: OX40 DEFICIENCY; Immunodeficiency 16. Identifiers: Orphanet 431149, MedGen C3810053, MONDO:0014268, OMIM 615593.

Submissions (2):

Labcorp Genetics (formerly Invitae), Labcorp
Classification: Uncertain significance for Combined immunodeficiency due to OX40 deficiency. Last evaluated: 2024-11-24. Review status: criteria provided, single submitter. Criteria: Invitae Variant Classification Sherloc (09022015). Collection method: clinical testing. Allele origin: germline.
Comment: This sequence change creates a premature translational stop signal (p.Ala173Serfs*21) in the TNFRSF4 gene. It is expected to result in an absent or disrupted protein product. However, the current clinical and genetic evidence is not sufficient to establish whether loss-of-function variants in TNFRSF4 cause disease. This variant is present in population databases (rs769217131, gnomAD 0.007%). This variant has not been reported in the literature in individuals affected with TNFRSF4-related conditions. ClinVar contains an entry for this variant (Variation ID: 1434401). In summary, the available evidence is currently insufficient to determine the role of this variant in disease. Therefore, it has been classified as a Variant of Uncertain Significance.

Blueprint Genetics
Classification: Uncertain significance. Last evaluated: 2020-12-07. Review status: criteria provided, single submitter. Criteria: ACMG Guidelines, 2015. Collection method: clinical testing. Allele origin: germline.

NM_003327.4(TNFRSF4):c.515dup (p.Ala173fs)

Gene: TNFRSF4 (TNF receptor superfamily member 4; minus strand). Cytogenetic location: 1p36.33.
Variant type: Duplication.
Coding change: c.515dup on transcript NM_003327.4 (MANE Select); coding-DNA position 515, one base duplicated (C; older notation c.515dupC).
Protein change: p.Ala173fs; shifts the reading frame from alanine 173.
Molecular consequence: frameshift variant.
Genome position (GRCh38, 1-based): chr1:1,212,061, G duplicated on the plus strand (C on the coding strand, the reverse complement: TNFRSF4 is on the minus strand); the first of 6 consecutive G bases (chr1:1,212,061-1,212,066); duplicating any one gives the same sequence. VCF-style (leftmost placement, unchanged base first): chr1-1212060-T-TG. GRCh37 (hg19) VCF-style: chr1-1147440-T-TG.
Other names: short protein forms A173fs.
Identifiers: ClinVar variation 1434401 (VCV001434401.7), dbSNP rs769217131, ClinGen allele CA512430.